The following is an entry in ClinVar:

NM_004370.6(COL12A1):c.4187G>A (p.Arg1396Gln)

Gene: COL12A1 (collagen type XII alpha 1 chain; minus strand). Cytogenetic location: 6q13.
Variant type: single nucleotide variant.
Coding change: c.4187G>A on transcript NM_004370.6 (MANE Select); coding-DNA position 4187, G replaced by A.
Protein change: p.Arg1396Gln; replaces arginine 1396 with glutamine.
Molecular consequence: missense variant.
Genome position (GRCh38, 1-based): chr6:75,148,458, C>T on the plus strand (G>A on the coding strand, the complement: COL12A1 is on the minus strand). VCF-style: chr6-75148458-C-T. GRCh37 (hg19) VCF-style: chr6-75858174-C-T.
Other names: c.695G>A, p.Arg232Gln (NM_080645.3); short protein forms R232Q, R1396Q.
Identifiers: ClinVar variation 661668 (VCV000661668.35), dbSNP rs370549168, ClinGen allele CA3893516.

ClinVar aggregate classification (germline): Conflicting classifications of pathogenicity. Review status: criteria provided, conflicting classifications (1 of 4 stars). 4 submissions from 4 submitters: Uncertain significance (2); Benign (1); Likely benign (1). Last evaluated 2026-01-12.

Conditions:
Ullrich congenital muscular dystrophy 2 (UCMD2). Identifiers: Orphanet 75840, MedGen C4225314, MONDO:0014654, OMIM 616470.
Bethlem myopathy 2 (BTHLM2). Identifiers: Orphanet 536516, Orphanet 610, MedGen C4225313, MONDO:0034022, OMIM 616471.

Allele frequency attached by ClinVar (database versions not stated): ESP Exome Variant Server 0.00008; TOPMed 0.00008; gnomAD 0.00011 and 0.00007; ExAC 0.00032; 1000 Genomes Project 0.00040; 1000 Genomes Project 30x 0.00062.
gnomAD v4.1: 294 of 1,613,372 alleles (0.018%); highest among the groups gnomAD compares: South Asian, 0.18%; 1 homozygote.

Submissions (4):

Women's Health and Genetics/Laboratory Corporation of America, LabCorp
Classification: Uncertain significance. Last evaluated: 2026-01-12. Review status: criteria provided, single submitter. Criteria: LabCorp Variant Classification Summary - May 2015. Collection method: clinical testing. Allele origin: germline.
Comment: Variant summary: COL12A1 c.4187G>A (p.Arg1396Gln) results in a conservative amino acid change in the encoded protein sequence. Algorithms developed to predict the effect of missense changes on protein structure and function all suggest that this variant is likely to be tolerated. The variant allele was found at a frequency of 0.00039 in 248736 control chromosomes. This frequency is not significantly higher than estimated for disease-causing variants in COL12A1, allowing no conclusion about variant significance. To our knowledge, no occurrence of c.4187G>A in individuals affected with COL12A1-related conditions and no experimental evidence demonstrating its impact on protein function have been reported. ClinVar contains an entry for this variant (Variation ID: 661668). Based on the evidence outlined above, the variant was classified as uncertain significance.

Labcorp Genetics (formerly Invitae), Labcorp
Classification: Benign for Bethlem myopathy 2; Ullrich congenital muscular dystrophy 2. Last evaluated: 2025-12-17. Review status: criteria provided, single submitter. Criteria: Invitae Variant Classification Sherloc (09022015). Collection method: clinical testing. Allele origin: germline.

GeneDx
Classification: Uncertain significance. Last evaluated: 2025-04-30. Review status: criteria provided, single submitter. Criteria: GeneDx Variant Classification Process June 2021. Collection method: clinical testing. Allele origin: germline. Affected: yes.
Comment: In silico analysis supports that this missense variant does not alter protein structure/function; Has not been previously published as pathogenic or benign to our knowledge

CeGaT Center for Human Genetics Tuebingen
Classification: Likely benign. Last evaluated: 2023-05-01. Review status: criteria provided, single submitter. Criteria: CeGaT Center For Human Genetics Tuebingen Variant Classification Criteria Version 2. Collection method: clinical testing. Allele origin: germline. Affected: yes. Observed: 1 variant allele.
Comment: COL12A1: BP4